The following is an entry in ClinVar:

ClinVar aggregate classification (germline): Uncertain significance. Review status: criteria provided, multiple submitters, no conflicts (2 of 4 stars). 4 submissions from 4 submitters: Uncertain significance (4). Last evaluated 2025-08-06.

Conditions:
Arrhythmogenic right ventricular dysplasia 11. Also called: Arrhythmogenic right ventricular dysplasia 11 with mild palmoplantar keratoderma and woolly hair; Arrhythmogenic Right Ventricular Dysplasia/Cardiomyopathy11; ARRHYTHMOGENIC RIGHT VENTRICULAR DYSPLASIA, FAMILIAL, 11. Identifiers: MedGen C1864850, MONDO:0012506, OMIM 610476.
Familial isolated arrhythmogenic right ventricular dysplasia. Identifiers: Orphanet 217656, MedGen C4274968, MONDO:0016342.
Cardiovascular phenotype. Identifiers: MedGen CN230736.
Cardiomyopathy (CMYO). Also called: Cardiomyopathies. Identifiers: Orphanet 167848, MedGen C0878544, MONDO:0004994, HP:0001638. Inheritance: Various modes of inheritance.

Allele frequency attached by ClinVar (database versions not stated): gnomAD exomes below 0.00001 and 0.00001; TOPMed below 0.00001; ExAC 0.00001; gnomAD 0.00001.
gnomAD v4.1: 4 of 1,613,854 alleles (0.00025%); highest among the groups gnomAD compares: African/African-American, 0.0013%; no homozygotes.

Submissions (4):

Labcorp Genetics (formerly Invitae), Labcorp
Classification: Uncertain significance for Arrhythmogenic right ventricular dysplasia 11. Last evaluated: 2025-08-06. Review status: criteria provided, single submitter. Criteria: Invitae Variant Classification Sherloc (09022015). Collection method: clinical testing. Allele origin: germline.
Comment: This sequence change replaces valine, which is neutral and non-polar, with isoleucine, which is neutral and non-polar, at codon 666 of the DSC2 protein (p.Val666Ile). This variant is present in population databases (rs758646191, gnomAD 0.007%). This variant has not been reported in the literature in individuals affected with DSC2-related conditions. ClinVar contains an entry for this variant (Variation ID: 536262). Invitae Evidence Modeling of protein sequence and biophysical properties (such as structural, functional, and spatial information, amino acid conservation, physicochemical variation, residue mobility, and thermodynamic stability) indicates that this missense variant is not expected to disrupt DSC2 protein function with a negative predictive value of 80%. In summary, the available evidence is currently insufficient to determine the role of this variant in disease. Therefore, it has been classified as a Variant of Uncertain Significance.

Ambry Genetics
Classification: Uncertain significance for Cardiovascular phenotype. Last evaluated: 2025-01-31. Review status: criteria provided, single submitter. Criteria: Ambry Variant Classification Scheme 2023. Collection method: clinical testing. Allele origin: germline.
Comment: The p.V666I variant (also known as c.1996G>A), located in coding exon 13 of the DSC2 gene, results from a G to A substitution at nucleotide position 1996. The valine at codon 666 is replaced by isoleucine, an amino acid with highly similar properties. This amino acid position is well conserved in available vertebrate species; however, isoleucine is the reference amino acid in other vertebrate species. In addition, this alteration is predicted to be tolerated by in silico analysis. Since supporting evidence is limited at this time, the clinical significance of this alteration remains unclear.

All of Us Research Program, National Institutes of Health
Classification: Uncertain significance for Familial isolated arrhythmogenic right ventricular dysplasia. Last evaluated: 2024-04-25. Review status: criteria provided, single submitter. Criteria: ACMG Guidelines, 2015. Collection method: clinical testing. Allele origin: germline. Inheritance: Autosomal dominant inheritance. Observed: 4 variant alleles, 4 heterozygotes.
Comment: This missense variant replaces valine with isoleucine at codon 666 of the DSC2 protein. Computational prediction suggests that this variant may not impact protein structure and function (internally defined REVEL score threshold <= 0.5, PMID: 27666373). To our knowledge, functional studies have not been reported for this variant. This variant has not been reported in individuals affected with DSC2-related disorders in the literature. This variant has been identified in 2/250564 chromosomes in the general population by the Genome Aggregation Database (gnomAD). The available evidence is insufficient to determine the role of this variant in disease conclusively. Therefore, this variant is classified as a Variant of Uncertain Significance.

This study involves interpretation of variants in research participants for the purpose of population health screening. Participant phenotype was not available at the time of variant classification. Additional details can be found in publication PMID: 35346344, PMCID: PMC8962531

Color Diagnostics, LLC DBA Color Health
Classification: Uncertain significance for Cardiomyopathy. Last evaluated: 2024-04-17. Review status: criteria provided, single submitter. Criteria: ACMG Guidelines, 2015. Collection method: clinical testing. Allele origin: germline.
Comment: This missense variant replaces valine with isoleucine at codon 666 of the DSC2 protein. Computational prediction suggests that this variant may not impact protein structure and function. To our knowledge, functional studies have not been reported for this variant. This variant has not been reported in individuals affected with DSC2-related disorders in the literature. This variant has been identified in 2/250564 chromosomes in the general population by the Genome Aggregation Database (gnomAD). The available evidence is insufficient to determine the role of this variant in disease conclusively. Therefore, this variant is classified as a Variant of Uncertain Significance.

NM_024422.6(DSC2):c.1996G>A (p.Val666Ile)

Gene: DSC2 (desmocollin 2; minus strand). Cytogenetic location: 18q12.1.
Variant type: single nucleotide variant.
Coding change: c.1996G>A on transcript NM_024422.6 (MANE Select); coding-DNA position 1996, G replaced by A.
Protein change: p.Val666Ile; replaces valine 666 with isoleucine.
Molecular consequence: missense variant.
Genome position (GRCh38, 1-based): chr18:31,071,734, C>T on the plus strand (G>A on the coding strand, the complement: DSC2 is on the minus strand). VCF-style: chr18-31071734-C-T. GRCh37 (hg19) VCF-style: chr18-28651700-C-T.
Other names: c.1996G>A, p.Val666Ile (NM_004949.5); short protein forms V666I.
Identifiers: ClinVar variation 536262 (VCV000536262.14), dbSNP rs758646191, ClinGen allele CA034224.